The following is an entry in ClinVar:

ClinVar aggregate classification (germline): Uncertain significance. Review status: criteria provided, multiple submitters, no conflicts (2 of 4 stars). 4 submissions from 4 submitters: Uncertain significance (3). 1 of the submissions does not count toward it. Last evaluated 2024-04-23.

Conditions:
Retinitis pigmentosa 74 (RP74). Identifiers: Orphanet 791, MedGen C4225281, MONDO:0014692, OMIM 616562.
Bardet-Biedl syndrome 2 (BBS2). Identifiers: Orphanet 110, MedGen C2936863, MONDO:0014432, OMIM 615981.
BBS2-related disorder. Also called: BBS2-related condition; BBS2-related disorders. Identifiers: MedGen CN239228.
Bardet-Biedl syndrome (BBS). Identifiers: Orphanet 110, MedGen C0752166, MONDO:0015229.

Allele frequency attached by ClinVar (database versions not stated): gnomAD 0.00001; gnomAD exomes 0.00001; ExAC 0.00002; TOPMed 0.00002.

Submissions (4):

Fulgent Genetics
Classification: Uncertain significance for Bardet-Biedl syndrome 2; Retinitis pigmentosa 74. Last evaluated: 2024-04-23. Review status: criteria provided, single submitter. Criteria: ACMG Guidelines, 2015. Collection method: clinical testing. Allele origin: germline.

Blueprint Genetics
Classification: Uncertain significance. Last evaluated: 2023-12-15. Review status: criteria provided, single submitter. Criteria: ACMG Guidelines, 2015. Collection method: clinical testing. Allele origin: germline.

Labcorp Genetics (formerly Invitae), Labcorp
Classification: Uncertain significance for Bardet-Biedl syndrome. Last evaluated: 2022-07-06. Review status: criteria provided, single submitter. Criteria: Invitae Variant Classification Sherloc (09022015). Collection method: clinical testing. Allele origin: germline.
Comment: This sequence change replaces glutamic acid, which is acidic and polar, with glycine, which is neutral and non-polar, at codon 505 of the BBS2 protein (p.Glu505Gly). This variant is present in population databases (rs776226787, gnomAD 0.05%). This variant has not been reported in the literature in individuals affected with BBS2-related conditions. Algorithms developed to predict the effect of missense changes on protein structure and function are either unavailable or do not agree on the potential impact of this missense change (SIFT: "Tolerated"; PolyPhen-2: "Probably Damaging"; Align-GVGD: "Class C0"). Algorithms developed to predict the effect of sequence changes on RNA splicing suggest that this variant is not likely to affect RNA splicing. In summary, the available evidence is currently insufficient to determine the role of this variant in disease. Therefore, it has been classified as a Variant of Uncertain Significance.

PreventionGenetics, part of Exact Sciences
Classification: Uncertain significance for BBS2-related condition. Last evaluated: 2024-05-31. Review status: no assertion criteria provided. Collection method: clinical testing. Allele origin: germline. Not counted in ClinVar's aggregate classification.
Comment: The BBS2 c.1514A>G variant is predicted to result in the amino acid substitution p.Glu505Gly. To our knowledge, this variant has not been reported in the literature. This variant is reported in 0.045% of alleles in individuals of East Asian descent in gnomAD. At this time, the clinical significance of this variant is uncertain due to the absence of conclusive functional and genetic evidence.

NM_031885.5(BBS2):c.1514A>G (p.Glu505Gly)

Gene: BBS2 (Bardet-Biedl syndrome 2; minus strand). Cytogenetic location: 16q13.
Variant type: single nucleotide variant.
Coding change: c.1514A>G on transcript NM_031885.5 (MANE Select); coding-DNA position 1514, A replaced by G.
Protein change: p.Glu505Gly; replaces glutamic acid 505 with glycine.
Molecular consequence: missense variant. On other transcripts: non-coding transcript variant (5).
Genome position (GRCh38, 1-based): chr16:56,499,791, T>C on the plus strand (A>G on the coding strand, the complement: BBS2 is on the minus strand). VCF-style: chr16-56499791-T-C. GRCh37 (hg19) VCF-style: chr16-56533703-T-C.
Other names: c.1514A>G (NM_031885.3); c.1514A>G, p.Glu505Gly (NM_001377456.1); short protein forms E505G.
Identifiers: ClinVar variation 1895900 (VCV001895900.5), dbSNP rs776226787, ClinGen allele CA8065720.